The following is an entry in ClinVar:

NM_000051.4(ATM):c.4001A>G (p.His1334Arg)

Gene: ATM (ATM serine/threonine kinase; plus strand). Cytogenetic location: 11q22.3.
Variant type: single nucleotide variant.
Coding change: c.4001A>G on transcript NM_000051.4 (MANE Select); coding-DNA position 4001, A replaced by G.
Protein change: p.His1334Arg; replaces histidine 1334 with arginine.
Molecular consequence: missense variant.
Genome position (GRCh38, 1-based): chr11:108,287,607, A>G. VCF-style: chr11-108287607-A-G. GRCh37 (hg19) VCF-style: chr11-108158334-A-G.
Other names: c.4001A>G, p.His1334Arg (NM_001351834.2); short protein forms H1334R.
Identifiers: ClinVar variation 219675 (VCV000219675.20), dbSNP rs780865776, ClinGen allele CA348869.
Genomic context (GRCh38, chr11:108,287,607, plus strand): 5'-TGACGTTCACAGATATAAAATATTAAATATATTTTAATTTTGTGCCCTTGCAGATTGATC[A>G]CTTATTCATTAGTAATTTACCAGAGATTGTGGTGGAGTTATTGATGACGTTACATGAGCC-3'
Protein context (NP_000042.3, residues 1324-1344): SENLLGKQID[His1334Arg]LFISNLPEIV

ClinVar aggregate classification (germline): Uncertain significance. Review status: criteria provided, multiple submitters, no conflicts (2 of 4 stars). 6 submissions from 6 submitters: Uncertain significance (5). 1 of the submissions does not count toward it. Last evaluated 2025-09-22.

Conditions:
Hereditary cancer-predisposing syndrome. Also called: Tumor predisposition; Hereditary neoplastic syndrome; Neoplastic Syndromes, Hereditary; Hereditary Cancer Syndrome. Identifiers: Orphanet 140162, MedGen C0027672, MeSH D009386, MONDO:0015356.
Ataxia-telangiectasia syndrome (AT). Also called: Ataxia-telangiectasia, complementation group E; AT, COMPLEMENTATION GROUP C; ATAXIA-TELANGIECTASIA, COMPLEMENTATION GROUP A; ATAXIA-TELANGIECTASIA, FRESNO VARIANT; Ataxia-telangiectasia; LOUIS-BAR SYNDROME. Identifiers: Orphanet 100, MedGen C0004135, MONDO:0008840, OMIM 208900.

Allele frequency attached by ClinVar (database versions not stated): gnomAD exomes below 0.00001 and 0.00001; ExAC 0.00001.
gnomAD v4.1: 2 of 1,607,660 alleles (0.00012%); highest among the groups gnomAD compares: Admixed American, 0.0033%; no homozygotes.

Submissions (6):

Labcorp Genetics (formerly Invitae), Labcorp
Classification: Uncertain significance for Ataxia-telangiectasia syndrome. Last evaluated: 2025-09-22. Review status: criteria provided, single submitter. Criteria: Invitae Variant Classification Sherloc (09022015). Collection method: clinical testing. Allele origin: germline.
Comment: This sequence change replaces histidine, which is basic and polar, with arginine, which is basic and polar, at codon 1334 of the ATM protein (p.His1334Arg). This variant is present in population databases (rs780865776, gnomAD 0.003%). This variant has not been reported in the literature in individuals affected with ATM-related conditions. ClinVar contains an entry for this variant (Variation ID: 219675). Invitae Evidence Modeling of protein sequence and biophysical properties (such as structural, functional, and spatial information, amino acid conservation, physicochemical variation, residue mobility, and thermodynamic stability) indicates that this missense variant is not expected to disrupt ATM protein function with a negative predictive value of 95%. In summary, the available evidence is currently insufficient to determine the role of this variant in disease. Therefore, it has been classified as a Variant of Uncertain Significance.

Ambry Genetics
Classification: Uncertain significance for Hereditary cancer-predisposing syndrome. Last evaluated: 2025-07-12. Review status: criteria provided, single submitter. Criteria: Ambry Variant Classification Scheme 2023. Collection method: clinical testing. Allele origin: germline.
Comment: The p.H1334R variant (also known as c.4001A>G), located in coding exon 26 of the ATM gene, results from an A to G substitution at nucleotide position 4001. The histidine at codon 1334 is replaced by arginine, an amino acid with highly similar properties. This amino acid position is not well conserved in available vertebrate species. In addition, this alteration is predicted to be tolerated by in silico analysis. Since supporting evidence is limited at this time, the clinical significance of this alteration remains unclear.

Color Diagnostics, LLC DBA Color Health
Classification: Uncertain significance for Hereditary cancer-predisposing syndrome. Last evaluated: 2024-03-06. Review status: criteria provided, single submitter. Criteria: ACMG Guidelines, 2015. Collection method: clinical testing. Allele origin: germline.
Comment: This missense variant replaces histidine with arginine at codon 1334 of the ATM protein. Computational prediction suggests that this variant may not impact protein structure and function (internally defined REVEL score threshold <= 0.5, PMID: 27666373). Splice site prediction tools suggest that this variant may not impact RNA splicing. To our knowledge, functional studies have not been reported for this variant. This variant has not been reported in individuals affected with hereditary cancer in the literature. This variant has been identified in 2/248350 chromosomes in the general population by the Genome Aggregation Database (gnomAD). The available evidence is insufficient to determine the role of this variant in disease conclusively. Therefore, this variant is classified as a Variant of Uncertain Significance.

GeneDx
Classification: Uncertain significance. Last evaluated: 2023-05-26. Review status: criteria provided, single submitter. Criteria: GeneDx Variant Classification Process June 2021. Collection method: clinical testing. Allele origin: germline. Affected: yes.
Comment: Not observed at significant frequency in large population cohorts (gnomAD); In silico analysis supports that this missense variant does not alter protein structure/function; Has not been previously published as pathogenic or benign to our knowledge

Sema4
Classification: Uncertain significance for Hereditary cancer-predisposing syndrome. Last evaluated: 2021-11-15. Review status: criteria provided, single submitter. Criteria: Sema4 Curation Guidelines. Collection method: curation. Allele origin: germline.
Comment: The ATM c.4001A>G (p.H1334R) variant has not been reported in the literature to our knowledge. This variant was observed in 2/34558 chromosomes in the Latino subpopulation in the large and broad cohorts of the Genome Aggregation Database (PMID: 32461654). The variant has been reported in ClinVar (Variation ID: 219675). In silico tools suggest the impact of the variant on protein function is benign, though these predictions have not been confirmed by functional studies. There is no indication that this variant causes disease, but the evidence is insufficient currently to prove that conclusively. Thus, the clinical significance of this variant is currently uncertain.

Natera, Inc.
Classification: Uncertain significance for Ataxia-telangiectasia. Last evaluated: 2025-02-23. Review status: no assertion criteria provided. Collection method: clinical testing. Allele origin: germline. Not counted in ClinVar's aggregate classification.